The following is an entry in ClinVar:

ClinVar aggregate classification (germline): Uncertain significance. Review status: criteria provided, multiple submitters, no conflicts (2 of 4 stars). 4 submissions from 4 submitters: Uncertain significance (4). Last evaluated 2025-03-31.

Conditions:
Cardiovascular phenotype. Identifiers: MedGen CN230736.
Cardiomyopathy (CMYO). Also called: Cardiomyopathies. Identifiers: Orphanet 167848, MedGen C0878544, MONDO:0004994, HP:0001638. Inheritance: Various modes of inheritance.
Hypertrophic cardiomyopathy. Also called: HYPERTROPHIC MYOCARDIOPATHY. Identifiers: Orphanet 217569, MedGen C0007194, MeSH D002312, MONDO:0005045, HP:0001639.

Allele frequency attached by ClinVar (database versions not stated): gnomAD 0.00001; TOPMed 0.00001.
gnomAD v4.1: 3 of 1,612,144 alleles (0.00019%); highest among the groups gnomAD compares: Non-Finnish European, 0.00025%; no homozygotes.

Submissions (4):

Color Diagnostics, LLC DBA Color Health
Classification: Uncertain significance for Cardiomyopathy. Last evaluated: 2025-03-31. Review status: criteria provided, single submitter. Criteria: ACMG Guidelines, 2015. Collection method: clinical testing. Allele origin: germline.
Comment: This missense variant replaces tyrosine with histidine at codon 1172 of the MYBPC3 protein. Computational prediction suggests that this variant may not impact protein structure and function. To our knowledge, functional studies have not been reported for this variant. This variant has not been reported in individuals affected with MYBPC3-related disorders in the literature. This variant has been identified in 1/31346 chromosomes in the general population by the Genome Aggregation Database (gnomAD). The available evidence is insufficient to determine the role of this variant in disease conclusively. Therefore, this variant is classified as a Variant of Uncertain Significance.

Ambry Genetics
Classification: Uncertain significance for Cardiovascular phenotype. Last evaluated: 2024-04-06. Review status: criteria provided, single submitter. Criteria: Ambry Variant Classification Scheme 2023. Collection method: clinical testing. Allele origin: germline.

All of Us Research Program, National Institutes of Health
Classification: Uncertain significance for Hypertrophic cardiomyopathy. Last evaluated: 2023-11-28. Review status: criteria provided, single submitter. Criteria: ACMG Guidelines, 2015. Collection method: clinical testing. Allele origin: germline. Inheritance: Autosomal dominant inheritance. Observed: 1 variant allele, 1 heterozygote.
Comment: This missense variant replaces tyrosine with histidine at codon 1172 of the MYBPC3 protein. Computational prediction suggests that this variant may not impact protein structure and function (internally defined REVEL score threshold <= 0.5, PMID: 27666373). To our knowledge, functional studies have not been reported for this variant. This variant has not been reported in individuals affected with cardiovascular disorders in the literature. This variant has been identified in 1/274958 chromosomes in the general population by the Genome Aggregation Database (gnomAD). The available evidence is insufficient to determine the role of this variant in disease conclusively. Therefore, this variant is classified as a Variant of Uncertain Significance.

This study involves interpretation of variants in research participants for the purpose of population health screening. Participant phenotype was not available at the time of variant classification. Additional details can be found in publication PMID: 35346344, PMCID: PMC8962531

Labcorp Genetics (formerly Invitae), Labcorp
Classification: Uncertain significance for Hypertrophic cardiomyopathy. Last evaluated: 2023-08-16. Review status: criteria provided, single submitter. Criteria: Invitae Variant Classification Sherloc (09022015). Collection method: clinical testing. Allele origin: germline.
Comment: In summary, the available evidence is currently insufficient to determine the role of this variant in disease. Therefore, it has been classified as a Variant of Uncertain Significance. An algorithm developed to predict the effect of missense changes on protein structure and function (PolyPhen-2) suggests that this variant is likely to be tolerated. ClinVar contains an entry for this variant (Variation ID: 1171402). This variant has not been reported in the literature in individuals affected with MYBPC3-related conditions. This variant is present in population databases (no rsID available, gnomAD 0.0008%). This sequence change replaces tyrosine, which is neutral and polar, with histidine, which is basic and polar, at codon 1172 of the MYBPC3 protein (p.Tyr1172His).

NM_000256.3(MYBPC3):c.3514T>C (p.Tyr1172His)

Gene: MYBPC3 (myosin binding protein C3; minus strand). Cytogenetic location: 11p11.2.
Variant type: single nucleotide variant.
Coding change: c.3514T>C on transcript NM_000256.3 (MANE Select); coding-DNA position 3514, T replaced by C.
Protein change: p.Tyr1172His; replaces tyrosine 1172 with histidine.
Molecular consequence: missense variant.
Genome position (GRCh38, 1-based): chr11:47,332,679, A>G on the plus strand (T>C on the coding strand, the complement: MYBPC3 is on the minus strand). VCF-style: chr11-47332679-A-G. GRCh37 (hg19) VCF-style: chr11-47354230-A-G.
Other names: short protein forms Y1172H.
Identifiers: ClinVar variation 1171402 (VCV001171402.10), dbSNP rs1280085255, ClinGen allele CA380312803.